The following is an entry in ClinVar:

NM_014314.4(RIGI):c.1933A>T (p.Asn645Tyr)

Gene: RIGI (RNA sensor RIG-I; minus strand). Cytogenetic location: 9p21.1.
Variant type: single nucleotide variant.
Coding change: c.1933A>T on transcript NM_014314.4 (MANE Select); coding-DNA position 1933, A replaced by T.
Protein change: p.Asn645Tyr; replaces asparagine 645 with tyrosine.
Molecular consequence: missense variant.
Genome position (GRCh38, 1-based): chr9:32,473,056, T>A on the plus strand (A>T on the coding strand, the complement: RIGI is on the minus strand). VCF-style: chr9-32473056-T-A. GRCh37 (hg19) VCF-style: chr9-32473054-T-A.
Other names: c.1927A>T, p.Asn643Tyr (NM_001385907.1); c.1933A>T, p.Asn645Tyr (NM_001385909.1); c.1492A>T, p.Asn498Tyr (NM_001385910.1); c.1324A>T, p.Asn442Tyr (NM_001385912.1); c.1918A>T, p.Asn640Tyr (NM_001385913.1); c.1489A>T, p.Asn497Tyr (NM_001385914.1); short protein forms N640Y, N645Y, N442Y, N497Y, N498Y, N643Y.
Identifiers: ClinVar variation 2494928 (VCV002494928.3), dbSNP rs1471952776, ClinGen allele CA373147913.

ClinVar aggregate classification (germline): Uncertain significance. Review status: criteria provided, multiple submitters, no conflicts (2 of 4 stars). 2 submissions from 2 submitters: Uncertain significance (2). Last evaluated 2026-01-01.

Conditions:
RIGI-related disorder. Also called: RIGI-related condition.
Inborn genetic diseases. Identifiers: MedGen C0950123, MeSH D030342.

Allele frequency attached by ClinVar (database versions not stated): gnomAD 0.00001; gnomAD exomes 0.00001; TOPMed 0.00001.
gnomAD v4.1: 7 of 1,605,492 alleles (0.00044%); highest among the groups gnomAD compares: East Asian, 0.0022%; no homozygotes.

Submissions (2):

PreventionGenetics, part of Exact Sciences
Classification: Uncertain significance for RIGI-related condition. Last evaluated: 2026-01-01. Review status: criteria provided, single submitter. Criteria: ACMG Guidelines, 2015. Collection method: clinical testing. Allele origin: germline.
Comment: The RIGI c.1933A>T variant is predicted to result in the amino acid substitution p.Asn645Tyr. To our knowledge, this variant has not been reported in the literature. This variant is reported in 0.00089% of alleles in individuals of European (Non-Finnish) descent in gnomAD. At this time, the clinical significance of this variant is uncertain due to the absence of conclusive functional and genetic evidence.

Ambry Genetics
Classification: Uncertain significance for Inborn genetic diseases. Last evaluated: 2023-03-07. Review status: criteria provided, single submitter. Criteria: Ambry Variant Classification Scheme 2023. Collection method: clinical testing. Allele origin: germline.